The following is an entry in ClinVar:

NM_006185.4(NUMA1):c.5400G>A (p.Ser1800=)

Genes: IL18BP (interleukin 18 binding protein; plus strand), NUMA1 (nuclear mitotic apparatus protein 1; minus strand). Cytogenetic location: 11q13.4.
Variant type: single nucleotide variant.
Coding change: c.5400G>A on transcript NM_006185.4 (MANE Select); coding-DNA position 5400, G replaced by A.
Protein change: p.Ser1800=; no amino-acid change (serine 1800 retained).
Molecular consequence: synonymous variant. On other transcripts: non-coding transcript variant (1).
Genome position (GRCh38, 1-based): chr11:72,007,252, C>T on the plus strand (G>A on the coding strand, the complement: NUMA1 is on the minus strand). VCF-style: chr11-72007252-C-T. GRCh37 (hg19) VCF-style: chr11-71718298-C-T.
Other names: c.5358G>A, p.Ser1786= (NM_001286561.2).
Identifiers: ClinVar variation 776640 (VCV000776640.6), dbSNP rs61744213, ClinGen allele CA6166753.

ClinVar aggregate classification (germline): Benign. Review status: criteria provided, multiple submitters, no conflicts (2 of 4 stars). 3 submissions from 3 submitters: Benign (2). 1 of the submissions does not count toward it. Last evaluated 2018-03-29.

Conditions:
NUMA1-related disorder. Also called: NUMA1-related condition.

Allele frequency attached by ClinVar (database versions not stated): ExAC 0.00780; gnomAD 0.02306 and 0.02445; ESP Exome Variant Server 0.02433; TOPMed 0.02609; 1000 Genomes Project 0.02696; 1000 Genomes Project 30x 0.02733.
gnomAD v4.1: 7,043 of 1,612,700 alleles (0.44%); highest among the groups gnomAD compares: African/African-American, 8%; 258 homozygotes.

Submissions (3):

Labcorp Genetics (formerly Invitae), Labcorp
Classification: Benign. Last evaluated: 2018-03-29. Review status: criteria provided, single submitter. Criteria: Invitae Variant Classification Sherloc (09022015). Collection method: clinical testing. Allele origin: germline.

Breakthrough Genomics
Classification: Benign. Review status: criteria provided, single submitter. Criteria: ACMG Guidelines, 2015. Collection method: not provided. Allele origin: germline. Inheritance: Unknown mechanism. Affected: yes.

PreventionGenetics, part of Exact Sciences
Classification: Benign for NUMA1-related condition. Last evaluated: 2019-11-08. Review status: no assertion criteria provided. Collection method: clinical testing. Allele origin: germline. Not counted in ClinVar's aggregate classification.
Comment: This variant is classified as benign based on ACMG/AMP sequence variant interpretation guidelines (Richards et al. 2015 PMID: 25741868, with internal and published modifications).